The following is an entry in ClinVar:

ClinVar aggregate classification (germline): Pathogenic (1 of 4 stars; one submission).

Submission:

GeneDx
Classification: Pathogenic. Last evaluated: 2019-11-18. Review status: criteria provided, single submitter. Criteria: GeneDx Variant Classification Process June 2021. Collection method: clinical testing. Allele origin: germline. Affected: yes.
Comment: Not observed in large population cohorts (Lek et al., 2016); In silico analysis, which includes protein predictors and evolutionary conservation, supports that this variant does not alter protein structure/function; Has not been previously published as pathogenic or benign to our knowledge

NM_004333.6(BRAF):c.2125C>G (p.Gln709Glu)

Gene: BRAF (B-Raf proto-oncogene, serine/threonine kinase; minus strand). Cytogenetic location: 7q34.
Variant type: single nucleotide variant.
Coding change: c.2125C>G on transcript NM_004333.6 (MANE Select); coding-DNA position 2125, C replaced by G.
Protein change: p.Gln709Glu; replaces glutamine 709 with glutamic acid.
Molecular consequence: missense variant.
Genome position (GRCh38, 1-based): chr7:140,739,814, G>C on the plus strand (C>G on the coding strand, the complement: BRAF is on the minus strand). VCF-style: chr7-140739814-G-C. GRCh37 (hg19) VCF-style: chr7-140439614-G-C.
Other names: c.2125C>G, p.Gln709Glu (NM_001354609.2, NM_001378468.1, NM_001378474.1); c.2245C>G, p.Gln749Glu (NM_001374244.1, NM_001374258.1); c.2134C>G, p.Gln712Glu (NM_001378467.1); c.2059C>G, p.Gln687Glu (NM_001378469.1); c.2023C>G, p.Gln675Glu (NM_001378470.1); c.2014C>G, p.Gln672Glu (NM_001378471.1); c.1969C>G, p.Gln657Glu (NM_001378472.1, NM_001378473.1); c.1861C>G, p.Gln621Glu (NM_001378475.1); short protein forms Q621E, Q657E, Q672E, Q675E, Q687E, Q709E, Q712E, Q749E.
Identifiers: ClinVar variation 1210729 (VCV001210729.3), dbSNP rs1554389828, ClinGen allele CA369537915.